The following is an entry in ClinVar:

ClinVar aggregate classification (germline): Uncertain significance (1 of 4 stars; one submission).

Conditions:
Inborn genetic diseases. Identifiers: MedGen C0950123, MeSH D030342.

Submission:

Ambry Genetics
Classification: Uncertain significance for Inborn genetic diseases. Last evaluated: 2026-03-14. Review status: criteria provided, single submitter. Criteria: Ambry Variant Classification Scheme 2023. Collection method: clinical testing. Allele origin: germline.
Comment: The p.L377R variant (also known as c.1130T>G), located in coding exon 5 of the SH2B3 gene, results from a T to G substitution at nucleotide position 1130. The leucine at codon 377 is replaced by arginine, an amino acid with dissimilar properties. This amino acid position is conserved. In addition, this alteration is predicted to be deleterious by in silico analysis. Based on the available evidence, the clinical significance of this variant remains unclear.

NM_005475.3(SH2B3):c.1130T>G (p.Leu377Arg)

Gene: SH2B3 (SH2B adaptor protein 3; plus strand). Cytogenetic location: 12q24.12.
Variant type: single nucleotide variant.
Coding change: c.1130T>G on transcript NM_005475.3 (MANE Select); coding-DNA position 1130, T replaced by G.
Protein change: p.Leu377Arg; replaces leucine 377 with arginine.
Molecular consequence: missense variant.
Genome position (GRCh38, 1-based): chr12:111,447,438, T>G. VCF-style: chr12-111447438-T-G. GRCh37 (hg19) VCF-style: chr12-111885242-T-G.
Other names: c.524T>G, p.Leu175Arg (NM_001291424.1); short protein forms L175R, L377R.
Identifiers: ClinVar variation 4826785 (VCV004826785.1).